The following is an entry in ClinVar:

ClinVar aggregate classification (germline): Uncertain significance (1 of 4 stars; one submission).

Submission:

CeGaT Center for Human Genetics Tuebingen
Classification: Uncertain significance. Last evaluated: 2025-08-01. Review status: criteria provided, single submitter. Criteria: CeGaT Center For Human Genetics Tuebingen Variant Classification Criteria Version 2. Collection method: clinical testing. Allele origin: germline. Affected: yes. Observed: 1 variant allele.
Comment: COL5A2: PM2, PP2

NM_000393.5(COL5A2):c.1391G>C (p.Arg464Pro)

Gene: COL5A2 (collagen type V alpha 2 chain; minus strand). Cytogenetic location: 2q32.2.
Variant type: single nucleotide variant.
Coding change: c.1391G>C on transcript NM_000393.5 (MANE Select); coding-DNA position 1391, G replaced by C.
Protein change: p.Arg464Pro; replaces arginine 464 with proline.
Molecular consequence: missense variant.
Genome position (GRCh38, 1-based): chr2:189,068,025, C>G on the plus strand (G>C on the coding strand, the complement: COL5A2 is on the minus strand). VCF-style: chr2-189068025-C-G. GRCh37 (hg19) VCF-style: chr2-189932751-C-G.
Other names: short protein forms R464P.
Identifiers: ClinVar variation 4085665 (VCV004085665.8).
Genomic context (GRCh38, chr2:189,068,025, plus strand): 5'-CTCGTAGTTAGATTACACTAAAGGATGATAGTTCTTTCAAAGGTCATTACCGGTTGGCCT[C>G]GAATTCCCTGAGGACCAGTGCTACCCTGAGGTCCTGGAGATCCAGGAGGCCCTGCTGAGC-3'
Protein context (NP_000384.2, residues 454-474): PQGSTGPQGI[Arg464Pro]GQPGDPGVPG